The following is an entry in ClinVar:

NM_004304.5(ALK):c.3360-3C>G

Gene: ALK (ALK receptor tyrosine kinase; minus strand). Cytogenetic location: 2p23.2.
Variant type: single nucleotide variant.
Coding change: c.3360-3C>G on transcript NM_004304.5 (MANE Select); 3 bases into the intron before coding-DNA position 3360, C replaced by G.
Molecular consequence: intron variant.
Genome position (GRCh38, 1-based): chr2:29,222,610, G>C on the plus strand (C>G on the coding strand, the complement: ALK is on the minus strand). VCF-style: chr2-29222610-G-C. GRCh37 (hg19) VCF-style: chr2-29445476-G-C.
Other names: c.156-3C>G (NM_001353765.2).
Identifiers: ClinVar variation 4666622 (VCV004666622.1).

ClinVar aggregate classification (germline): Uncertain significance (1 of 4 stars; one submission).

Conditions:
Hereditary cancer-predisposing syndrome. Also called: Neoplastic Syndromes, Hereditary; Tumor predisposition; Hereditary Cancer Syndrome; Hereditary neoplastic syndrome. Identifiers: Orphanet 140162, MedGen C0027672, MeSH D009386, MONDO:0015356.

Submission:

Ambry Genetics
Classification: Uncertain significance for Hereditary cancer-predisposing syndrome. Last evaluated: 2025-11-14. Review status: criteria provided, single submitter. Criteria: Ambry Variant Classification Scheme 2023. Collection method: clinical testing. Allele origin: germline.
Comment: The c.3360-3C>G intronic variant results from a C to G substitution 3 nucleotides upstream from coding exon 21 in the ALK gene. This nucleotide position is well conserved in available vertebrate species. In silico splice site analysis predicts that this alteration will weaken the native splice acceptor site and will result in the creation or strengthening of a novel splice acceptor site. Based on the available evidence, the clinical significance of this variant remains unclear.